The following is an entry in ClinVar:

ClinVar aggregate classification (germline): Pathogenic/Likely pathogenic. Review status: criteria provided, multiple submitters, no conflicts (2 of 4 stars). 8 submissions from 8 submitters: Pathogenic (4); Likely pathogenic (2). 2 of the submissions do not count toward it. Last evaluated 2024-11-15.

Conditions:
Rare genetic deafness. Identifiers: Orphanet 96210, MedGen C5680250.
CDH23-related disorder. Also called: CDH23-related disorders; CDH23-related condition.
Pituitary adenoma 5, multiple types. Identifiers: MedGen C4539685, MONDO:0054601, OMIM 617540.
Usher syndrome type 1 (USH1). Also called: RETINITIS PIGMENTOSA AND CONGENITAL DEAFNESS. Identifiers: Orphanet 231169, Orphanet 886, MedGen C1568247, MONDO:0010168, OMIM 276900.

Allele frequency attached by ClinVar (database versions not stated): gnomAD exomes below 0.00001; TOPMed 0.00001.
gnomAD v4.1: 8 of 1,613,840 alleles (0.0005%); highest among the groups gnomAD compares: East Asian, 0.0022%; no homozygotes.

Submissions (8):

Natera, Inc.
Classification: Likely pathogenic for Usher syndrome type 1. Last evaluated: 2024-11-15. Review status: criteria provided, single submitter. Criteria: Natera Variant Classification Schema (03/2026). Collection method: clinical testing. Allele origin: germline.
Comment: The c.3706C>T variant in CDH23 is a nonsense variant predicted to introduce a stop codon at amino acid 1236. This variant is expected to result in nonsense mediated decay, truncation, or a dysfunctional protein product. This variant is rare in the general population with a frequency below the threshold expected for the associated phenotype(s). Given the available evidence, this variant is classified as Likely Pathogenic.

Blueprint Genetics
Classification: Likely pathogenic for CDH23-related disorders. Last evaluated: 2023-11-29. Review status: criteria provided, single submitter. Criteria: ACMG Guidelines, 2015. Collection method: clinical testing. Allele origin: germline. Affected: yes. Observed: 1 variant allele.

Labcorp Genetics (formerly Invitae), Labcorp
Classification: Pathogenic. Last evaluated: 2023-10-09. Review status: criteria provided, single submitter. Criteria: Invitae Variant Classification Sherloc (09022015). Collection method: clinical testing. Allele origin: germline.
Comment: This sequence change creates a premature translational stop signal (p.Arg1236*) in the CDH23 gene. It is expected to result in an absent or disrupted protein product. Loss-of-function variants in CDH23 are known to be pathogenic (PMID: 11138009, 21940737). This variant is present in population databases (rs397517327, gnomAD 0.003%). This variant has not been reported in the literature in individuals affected with CDH23-related conditions. ClinVar contains an entry for this variant (Variation ID: 45929). For these reasons, this variant has been classified as Pathogenic.

Baylor Genetics
Classification: Pathogenic for Pituitary adenoma 5, multiple types. Last evaluated: 2023-05-29. Review status: criteria provided, single submitter. Criteria: ACMG Guidelines, 2015. Collection method: clinical testing. Allele origin: unknown.

GeneDx
Classification: Pathogenic. Last evaluated: 2015-06-30. Review status: criteria provided, single submitter. Criteria: GeneDx Variant Classification (06012015). Collection method: clinical testing. Allele origin: germline. Affected: yes.
Comment: The R1236X nonsense variant in the CDH23 gene is predicted to cause loss of normal protein functioneither through protein truncation or nonsense-mediated mRNA decay. The R1236X variant was notobserved in approximately 6,200 individuals of European and African American ancestry in the NHLBIExome Sequencing Project, indicating it is not a common benign variant in these populations. Although thisvariant has not been reported previously to our knowledge, we consider it to be pathogenic.

Laboratory for Molecular Medicine, Mass General Brigham Personalized Medicine
Classification: Pathogenic for Rare genetic deafness. Last evaluated: 2012-05-29. Review status: criteria provided, single submitter. Criteria: LMM Criteria. Collection method: clinical testing. Allele origin: germline. Inheritance: Autosomal recessive inheritance. Observed: 1 variant allele.
Comment: The Arg1236X variant in CDH23 has not been reported in the literature nor previo usly identified by our laboratory. This nonsense variant leads to a premature te rmination codon at position 1236, which is predicted to lead to a truncated or a bsent protein. In summary, this variant meets our criteria to be classified as p athogenic.

Clinical Genetics DNA and cytogenetics Diagnostics Lab, Erasmus MC, Erasmus Medical Center
Classification: Pathogenic. Review status: no assertion criteria provided. Collection method: clinical testing. Allele origin: germline. Affected: yes. Study: VKGL Data-share Consensus. Not counted in ClinVar's aggregate classification.

Joint Genome Diagnostic Labs from Nijmegen and Maastricht, Radboudumc and MUMC+
Classification: Pathogenic. Review status: no assertion criteria provided. Collection method: clinical testing. Allele origin: germline. Affected: yes. Study: VKGL Data-share Consensus. Not counted in ClinVar's aggregate classification.

Literature cited by the submitters: PubMed 11138009 (cited by Labcorp Genetics (formerly Invitae), Labcorp); PubMed 21940737 (cited by Labcorp Genetics (formerly Invitae), Labcorp).

NM_022124.6(CDH23):c.3706C>T (p.Arg1236Ter)

Genes: C10orf105 (chromosome 10 open reading frame 105; minus strand), CDH23 (cadherin related 23; plus strand). Cytogenetic location: 10q22.1.
Variant type: single nucleotide variant.
Coding change: c.3706C>T on transcript NM_022124.6 (MANE Select); coding-DNA position 3706, C replaced by T.
Protein change: p.Arg1236Ter; replaces arginine 1236 with a stop codon.
Molecular consequence: nonsense. On other transcripts: intron variant (1).
Genome position (GRCh38, 1-based): chr10:71,730,595, C>T. VCF-style: chr10-71730595-C-T. GRCh37 (hg19) VCF-style: chr10-73490352-C-T.
Other names: c.3706C>T, p.Arg1236Ter (NM_001171930.2); c.-6+7133G>A (NM_001168390.2); short protein forms R1236*.
Identifiers: ClinVar variation 45929 (VCV000045929.14), dbSNP rs397517327, ClinGen allele CA261780.
Genomic context (GRCh38, chr10:71,730,595, plus strand): 5'-CTGGGGCTTCGAGAGACCGCAGGCATTGGAACGTCAGTCATCGTGGTCCAAGCCACAGAC[C>T]GAGACTCTGGTGAGGCTGGCAGGAGGAAGCCGGGGATCCCATTGCTCAGAGCAAACCTCC-3'